The following is an entry in ClinVar:

NM_001244008.2(KIF1A):c.4007G>A (p.Arg1336Gln)

Gene: KIF1A (kinesin family member 1A; minus strand). Cytogenetic location: 2q37.3.
Variant type: single nucleotide variant.
Coding change: c.4007G>A on transcript NM_001244008.2 (MANE Select); coding-DNA position 4007, G replaced by A.
Protein change: p.Arg1336Gln; replaces arginine 1336 with glutamine.
Molecular consequence: missense variant.
Genome position (GRCh38, 1-based): chr2:240,737,063, C>T on the plus strand (G>A on the coding strand, the complement: KIF1A is on the minus strand). VCF-style: chr2-240737063-C-T. GRCh37 (hg19) VCF-style: chr2-241676480-C-T.
Other names: c.3731G>A, p.Arg1244Gln (NM_001320705.2, NM_001330289.2); c.3806G>A, p.Arg1269Gln (NM_001330290.2, NM_001379634.1); c.4082G>A, p.Arg1361Gln (NM_001379631.1); c.3956G>A, p.Arg1319Gln (NM_001379632.1); c.3980G>A, p.Arg1327Gln (NM_001379633.1, NM_001379642.1, NM_001379645.1); c.3806G>A, p.Arg1269His (NM_001379635.1, NM_001379646.1); c.3818G>A, p.Arg1273Gln (NM_001379636.1); c.3779G>A, p.Arg1260Gln (NM_001379637.1, NM_001379648.1); and 4 more; short protein forms R1234Q, R1235H, R1235Q, R1244H, R1244Q, R1260Q, R1269H, R1269Q.
Identifiers: ClinVar variation 1018883 (VCV001018883.12), dbSNP rs772545191, ClinGen allele CA2207556.

ClinVar aggregate classification (germline): Uncertain significance. Review status: criteria provided, multiple submitters, no conflicts (2 of 4 stars). 3 submissions from 3 submitters: Uncertain significance (3). Last evaluated 2025-10-01.

Conditions:
Inborn genetic diseases. Identifiers: MedGen C0950123, MeSH D030342.
Hereditary spastic paraplegia 30. Identifiers: Orphanet 101010, MedGen C5235139, MONDO:0012476.
Neuropathy, hereditary sensory, type 2C. Also called: Hereditary sensory and autonomic neuropathy type IIC; KIF1A-Related HSAN2 (HSAN2C). Identifiers: Orphanet 970, MedGen C3280168, MONDO:0013634, OMIM 614213.
Intellectual disability, autosomal dominant 9 (NESCAVS). Also called: NESCAV SYNDROME; KIF1A-Related Neurodevelopmental Disorder. Identifiers: Orphanet 662367, MedGen C5393830, MONDO:0013656, OMIM 614255.

Allele frequency attached by ClinVar (database versions not stated): TOPMed below 0.00001; gnomAD 0.00001; gnomAD exomes 0.00001; ExAC 0.00002.
gnomAD v4.1: 17 of 1,610,016 alleles (0.0011%); highest among the groups gnomAD compares: East Asian, 0.0022%; no homozygotes.

Submissions (3):

Labcorp Genetics (formerly Invitae), Labcorp
Classification: Uncertain significance for Hereditary spastic paraplegia 30; Neuropathy, hereditary sensory, type 2C; Intellectual disability, autosomal dominant 9. Last evaluated: 2025-10-01. Review status: criteria provided, single submitter. Criteria: Invitae Variant Classification Sherloc (09022015). Collection method: clinical testing. Allele origin: germline.
Comment: This sequence change replaces arginine, which is basic and polar, with glutamine, which is neutral and polar, at codon 1235 of the KIF1A protein (p.Arg1235Gln). This variant also falls at the last nucleotide of exon 35, which is part of the consensus splice site for this exon. This variant is present in population databases (rs772545191, gnomAD 0.006%). This variant has not been reported in the literature in individuals affected with KIF1A-related conditions. ClinVar contains an entry for this variant (Variation ID: 1018883). An algorithm developed to predict the effect of missense changes on protein structure and function (PolyPhen-2) suggests that this variant is likely to be tolerated. Variants that disrupt the consensus splice site are a relatively common cause of aberrant splicing (PMID: 17576681, 9536098). Algorithms developed to predict the effect of sequence changes on RNA splicing suggest that this variant may create or strengthen a splice site. In summary, the available evidence is currently insufficient to determine the role of this variant in disease. Therefore, it has been classified as a Variant of Uncertain Significance.

Blueprint Genetics
Classification: Uncertain significance. Last evaluated: 2022-02-07. Review status: criteria provided, single submitter. Criteria: ACMG Guidelines, 2015. Collection method: clinical testing. Allele origin: germline.

Ambry Genetics
Classification: Uncertain significance for Inborn genetic diseases. Last evaluated: 2020-10-29. Review status: criteria provided, single submitter. Criteria: Ambry Variant Classification Scheme 2023. Collection method: clinical testing. Allele origin: germline.
Comment: The p.R1336Q variant (also known as c.4007G>A), located in coding exon 37 of the KIF1A gene, results from a G to A substitution at nucleotide position 4007. The arginine at codon 1336 is replaced by glutamine, an amino acid with highly similar properties. This amino acid position is well conserved in available vertebrate species. In addition, the in silico prediction for this alteration is inconclusive. Since supporting evidence is limited at this time, the clinical significance of this alteration remains unclear.

Literature cited by the submitters: PubMed 17576681 (cited by Labcorp Genetics (formerly Invitae), Labcorp); PubMed 9536098 (cited by Labcorp Genetics (formerly Invitae), Labcorp).